The following is an entry in ClinVar:

NM_004612.4(TGFBR1):c.435C>G (p.Val145=)

Gene: TGFBR1 (transforming growth factor beta receptor 1; plus strand). Cytogenetic location: 9q22.33.
Variant type: single nucleotide variant.
Coding change: c.435C>G on transcript NM_004612.4 (MANE Select); coding-DNA position 435, C replaced by G.
Protein change: p.Val145=; no amino-acid change (valine 145 retained).
Molecular consequence: synonymous variant. On other transcripts: non-coding transcript variant (4), intron variant (3).
Genome position (GRCh38, 1-based): chr9:99,132,600, C>G. VCF-style: chr9-99132600-C-G. GRCh37 (hg19) VCF-style: chr9-101894882-C-G.
Other names: c.447C>G, p.Val149= (NM_001306210.2, NM_001407416.1); c.435C>G, p.Val145= (NM_001407417.1, NM_001407435.1); c.240C>G, p.Val80= (NM_001407418.1, NM_001407419.1, NM_001407420.1 and 1 more transcripts); c.228C>G, p.Val76= (NM_001407423.1, NM_001407424.1, NM_001407425.1 and 8 more transcripts); c.189C>G, p.Val63= (NM_001407436.1); c.343+3500C>G (NM_001130916.3); c.98-5259C>G (NM_001407438.1); c.98-9936C>G (NM_001407437.1).
Identifiers: ClinVar variation 2903406 (VCV002903406.4), dbSNP rs894059435, ClinGen allele CA196885575.

ClinVar aggregate classification (germline): Likely benign. Review status: criteria provided, multiple submitters, no conflicts (2 of 4 stars). 2 submissions from 2 submitters: Likely benign (2). Last evaluated 2023-08-02.

Conditions:
Loeys-Dietz syndrome (LDS). Identifiers: Orphanet 60030, MedGen C2697932, MONDO:0018954.
Familial thoracic aortic aneurysm and aortic dissection (TAAD). Also called: Thoracic aortic aneurysms and dissections. Identifiers: Orphanet 91387, MedGen C4707243, MONDO:0019625.

Allele frequency attached by ClinVar (database versions not stated): gnomAD 0.00001; TOPMed 0.00001.
gnomAD v4.1: 4 of 1,613,980 alleles (0.00025%); highest among the groups gnomAD compares: African/African-American, 0.004%; no homozygotes.

Submissions (2):

Labcorp Genetics (formerly Invitae), Labcorp
Classification: Likely benign for Familial thoracic aortic aneurysm and aortic dissection. Last evaluated: 2023-08-02. Review status: criteria provided, single submitter. Criteria: Invitae Variant Classification Sherloc (09022015). Collection method: clinical testing. Allele origin: germline.

All of Us Research Program, National Institutes of Health
Classification: Likely benign for Loeys-Dietz syndrome. Last evaluated: 2023-06-26. Review status: criteria provided, single submitter. Criteria: ACMG Guidelines, 2015. Collection method: clinical testing. Allele origin: germline. Inheritance: Autosomal dominant inheritance. Observed: 1 variant allele, 1 heterozygote.
Comment: This study involves interpretation of variants in research participants for the purpose of population health screening. Participant phenotype was not available at the time of variant classification. Additional details can be found in publication PMID: 35346344, PMCID: PMC8962531